The following is an entry in ClinVar:

ClinVar aggregate classification (germline): Uncertain significance. Review status: criteria provided, multiple submitters, no conflicts (2 of 4 stars). 2 submissions from 2 submitters: Uncertain significance (2). Last evaluated 2025-07-16.

Conditions:
Hereditary cancer-predisposing syndrome. Also called: Neoplastic Syndromes, Hereditary; Hereditary Cancer Syndrome; Tumor predisposition; Hereditary neoplastic syndrome. Identifiers: Orphanet 140162, MedGen C0027672, MeSH D009386, MONDO:0015356.
Bloom syndrome (BLM). Also called: Bloom-Torre-Machacek syndrome. Identifiers: Orphanet 125, MedGen C0005859, MONDO:0008876, OMIM 210900.

Submissions (2):

Ambry Genetics
Classification: Uncertain significance for Hereditary cancer-predisposing syndrome. Last evaluated: 2025-07-16. Review status: criteria provided, single submitter. Criteria: Ambry Variant Classification Scheme 2023. Collection method: clinical testing. Allele origin: germline.
Comment: The p.T843I variant (also known as c.2528C>T), located in coding exon 11 of the BLM gene, results from a C to T substitution at nucleotide position 2528. The threonine at codon 843 is replaced by isoleucine, an amino acid with similar properties. This amino acid position is not well conserved in available vertebrate species. In addition, this alteration is predicted to be tolerated by in silico analysis. Since supporting evidence is limited at this time, the clinical significance of this alteration remains unclear.

Labcorp Genetics (formerly Invitae), Labcorp
Classification: Uncertain significance for Bloom syndrome. Last evaluated: 2024-04-30. Review status: criteria provided, single submitter. Criteria: Invitae Variant Classification Sherloc (09022015). Collection method: clinical testing. Allele origin: germline.
Comment: This sequence change replaces threonine, which is neutral and polar, with isoleucine, which is neutral and non-polar, at codon 843 of the BLM protein (p.Thr843Ile). This variant is not present in population databases (gnomAD no frequency). This variant has not been reported in the literature in individuals affected with BLM-related conditions. ClinVar contains an entry for this variant (Variation ID: 1377236). Advanced modeling of protein sequence and biophysical properties (such as structural, functional, and spatial information, amino acid conservation, physicochemical variation, residue mobility, and thermodynamic stability) performed at Invitae indicates that this missense variant is not expected to disrupt BLM protein function with a negative predictive value of 80%. In summary, the available evidence is currently insufficient to determine the role of this variant in disease. Therefore, it has been classified as a Variant of Uncertain Significance.

NM_000057.4(BLM):c.2528C>T (p.Thr843Ile)

Gene: BLM (BLM RecQ like helicase; plus strand). Cytogenetic location: 15q26.1.
Variant type: single nucleotide variant.
Coding change: c.2528C>T on transcript NM_000057.4 (MANE Select); coding-DNA position 2528, C replaced by T.
Protein change: p.Thr843Ile; replaces threonine 843 with isoleucine.
Molecular consequence: missense variant.
Genome position (GRCh38, 1-based): chr15:90,769,559, C>T. VCF-style: chr15-90769559-C-T. GRCh37 (hg19) VCF-style: chr15-91312789-C-T.
Other names: c.2528C>T, p.Thr843Ile (NM_001287246.2, NM_001287247.2); c.1403C>T, p.Thr468Ile (NM_001287248.2); c.2528C>T (NM_000057.2); short protein forms T468I, T843I.
Identifiers: ClinVar variation 1377236 (VCV001377236.10), dbSNP rs137853152, ClinGen allele CA274743571.
Genomic context (GRCh38, chr15:90,769,559, plus strand): 5'-CTGTTCCGGTGATGGCTCTTACGGCCACAGCTAATCCCAGGGTACAGAAGGACATCCTGA[C>T]TCAGCTGAAGATTCTCAGACCTCAGGTGTAAGTTGTTGCACGTCACGTATTTGAGAACCC-3'
Protein context (NP_000048.1, residues 833-853): ANPRVQKDIL[Thr843Ile]QLKILRPQVF